The following is an entry in ClinVar:

ClinVar aggregate classification (germline): Uncertain significance. Review status: criteria provided, multiple submitters, no conflicts (2 of 4 stars). 2 submissions from 2 submitters: Uncertain significance (2). Last evaluated 2026-09-01.

Conditions:
Cardiovascular phenotype. Identifiers: MedGen CN230736.

gnomAD v4.1: 6 of 1,501,844 alleles (0.0004%); highest among the groups gnomAD compares: Non-Finnish European, 0.00053%; no homozygotes.

Submissions (2):

Ambry Genetics
Classification: Uncertain significance for Cardiovascular phenotype. Last evaluated: 2026-09-01. Review status: criteria provided, single submitter. Criteria: Ambry Variant Classification Scheme 2023. Collection method: clinical testing. Allele origin: germline.

Labcorp Genetics (formerly Invitae), Labcorp
Classification: Uncertain significance. Last evaluated: 2025-12-16. Review status: criteria provided, single submitter. Criteria: Invitae Variant Classification Sherloc (09022015). Collection method: clinical testing. Allele origin: germline.
Comment: This sequence change replaces serine, which is neutral and polar, with arginine, which is basic and polar, at codon 244 of the ALPK3 protein (p.Ser244Arg). This variant is not present in population databases (gnomAD no frequency). This variant has not been reported in the literature in individuals affected with ALPK3-related conditions. ClinVar contains an entry for this variant (Variation ID: 2799391). An algorithm developed to predict the effect of missense changes on protein structure and function (PolyPhen-2) suggests that this variant is likely to be disruptive. In summary, the available evidence is currently insufficient to determine the role of this variant in disease. Therefore, it has been classified as a Variant of Uncertain Significance.

NM_020778.5(ALPK3):c.126C>G (p.Ser42Arg)

Gene: ALPK3 (alpha kinase 3; plus strand). Cytogenetic location: 15q25.3.
Variant type: single nucleotide variant.
Coding change: c.126C>G on transcript NM_020778.5 (MANE Select); coding-DNA position 126, C replaced by G.
Protein change: p.Ser42Arg; replaces serine 42 with arginine.
Molecular consequence: missense variant.
Genome position (GRCh38, 1-based): chr15:84,817,578, C>G. VCF-style: chr15-84817578-C-G. GRCh37 (hg19) VCF-style: chr15-85360809-C-G.
Other names: c.732C>G (NM_020778.4); short protein forms S42R.
Identifiers: ClinVar variation 2799391 (VCV002799391.5), dbSNP rs909121019, ClinGen allele CA273651166.
Genomic context (GRCh38, chr15:84,817,578, plus strand): 5'-CGGTGAGGACGACGGCCCCGTGTGGATCCCCAGCCCAGCCAGCCGGAGCTACCTGCTCAG[C>G]GTGCGGCCCGAGACCAGGTAAGTGGCACCAAGGGGCAGGGCGGCGTCGGGCCGGCGATGC-3'
Protein context (NP_065829.4, residues 32-52): PSPASRSYLL[Ser42Arg]VRPETSLSSN